The following is an entry in ClinVar:

NM_000038.6(APC):c.7715C>A (p.Ser2572Ter)

Gene: APC (APC regulator of Wnt signaling pathway; plus strand). Cytogenetic location: 5q22.2.
Variant type: single nucleotide variant.
Coding change: c.7715C>A on transcript NM_000038.6 (MANE Select); coding-DNA position 7715, C replaced by A.
Protein change: p.Ser2572Ter; replaces serine 2572 with a stop codon.
Molecular consequence: nonsense.
Genome position (GRCh38, 1-based): chr5:112,843,309, C>A. VCF-style: chr5-112843309-C-A. GRCh37 (hg19) VCF-style: chr5-112179006-C-A.
Other names: c.7592C>A, p.Ser2531Ter (NM_001354900.2); c.7538C>A, p.Ser2513Ter (NM_001354901.2); c.7442C>A, p.Ser2481Ter (NM_001354902.2); c.7412C>A, p.Ser2471Ter (NM_001354903.2); c.7337C>A, p.Ser2446Ter (NM_001354904.2); c.7235C>A, p.Ser2412Ter (NM_001354905.2); c.6866C>A, p.Ser2289Ter (NM_001354906.2); c.7715C>A, p.Ser2572Ter (NM_001127510.3, NM_001354895.2); and 5 more; short protein forms S2289*, S2481*, S2531*, S2544*, S2582*, S2547*, S2554*, S2572*.
Identifiers: ClinVar variation 1418569 (VCV001418569.8), dbSNP rs876659280, ClinGen allele CA16038089.

ClinVar aggregate classification (germline): Pathogenic (1 of 4 stars; one submission).

Conditions:
Familial adenomatous polyposis 1 (FAP1). Also called: POLYPOSIS, ADENOMATOUS INTESTINAL; FAMILIAL ADENOMATOUS POLYPOSIS 1, ATTENUATED. Identifiers: MedGen C2713442, MONDO:0021056, OMIM 175100. Disease mechanism: loss of function.

Submission:

Labcorp Genetics (formerly Invitae), Labcorp
Classification: Pathogenic for Familial adenomatous polyposis 1. Last evaluated: 2021-03-19. Review status: criteria provided, single submitter. Criteria: Invitae Variant Classification Sherloc (09022015). Collection method: clinical testing. Allele origin: germline.
Comment: For these reasons, this variant has been classified as Pathogenic. This variant is expected to disrupt the EB1 and HDLG binding sites, which mediate interactions with the cytoskeleton (PMID: 15311282, 17293347). While functional studies have not been performed to directly test the effect on APC protein function, this suggests that disruption of the C-terminal portion of the protein is functionally important. This variant has not been reported in the literature in individuals with APC-related conditions. This variant is not present in population databases (ExAC no frequency). This sequence change creates a premature translational stop signal (p.Ser2572*) in the APC gene. While this is not anticipated to result in nonsense mediated decay, it is expected to disrupt the last 272 amino acid(s) of the APC protein. A different truncation (p.Tyr2645Lysfs*14) that lies downstream of this variant has been determined to be pathogenic (PMID: 9824584, 1316610, 27081525, 8381579, 22135120, Invitae). This suggests that deletion of this region of the APC protein is causative of disease.

Literature cited by the submitters: PubMed 15311282; PubMed 17293347; PubMed 9824584; PubMed 1316610; PubMed 27081525; PubMed 8381579; PubMed 22135120.